The following is an entry in ClinVar:

ClinVar aggregate classification (germline): Likely benign (1 of 4 stars; one submission).

Conditions:
COG5-congenital disorder of glycosylation. Also called: COG5-CDG; CDG IIi; CONGENITAL DISORDER OF GLYCOSYLATION, TYPE IIi. Identifiers: Orphanet 263487, MedGen C3150876, MONDO:0013325, OMIM 613612.

Allele frequency attached by ClinVar (database versions not stated): 1000 Genomes Project 0.00399; TOPMed 0.00353; 1000 Genomes Project 30x 0.00484.
gnomAD v4.1: 541 of 361,182 alleles (0.15%); highest among the groups gnomAD compares: African/African-American, 1.1%; 4 homozygotes.

Submission:

Illumina Laboratory Services, Illumina
Classification: Likely benign for COG5-congenital disorder of glycosylation. Last evaluated: 2018-01-12. Review status: criteria provided, single submitter. Criteria: ICSL Variant Classification Criteria 13 December 2019. Collection method: clinical testing. Allele origin: germline.
Comment: This variant was observed in the ICSL laboratory as part of a predisposition screen in an ostensibly healthy population. It had not been previously curated by ICSL or reported in the Human Gene Mutation Database (HGMD: prior to June 1st, 2018), and was therefore a candidate for classification through an automated scoring system. Utilizing variant allele frequency, disease prevalence and penetrance estimates, and inheritance mode, an automated score was calculated to assess if this variant is too frequent to cause the disease. Based on the score and internal cut-off values, a variant classified as likely benign is not then subjected to further curation. The score for this variant resulted in a classification of likely benign for this disease.

NM_006348.3(COG5):c.-351G>A

Genes: COG5 (component of oligomeric golgi complex 5; minus strand), DUS4L (dihydrouridine synthase 4 like; plus strand), DUS4L-BCAP29 (DUS4L-BCAP29 readthrough; plus strand). Cytogenetic location: 7q22.3.
Variant type: single nucleotide variant.
Coding change: c.-351G>A on transcript NM_006348.3; 351 bases upstream of the start codon, G replaced by A.
Molecular consequence: intron variant (on NM_181581.3).
Genome position (GRCh38, 1-based): chr7:107,564,340, C>T on the plus strand (G>A on the coding strand, the complement: COG5 is on the minus strand). VCF-style: chr7-107564340-C-T. GRCh37 (hg19) VCF-style: chr7-107204785-C-T.
Other names: c.-111+93C>T (NM_001371365.2); c.-111+131C>T (NM_001371364.2, NM_001371366.2, NM_181581.3); c.-22+131C>T (NM_001371367.2); c.-110-248C>T (NM_001270419.2).
Identifiers: ClinVar variation 358487 (VCV000358487.7), dbSNP rs114481539, ClinGen allele CA10627897.
Genomic context (GRCh38, chr7:107,564,340, plus strand): 5'-GGCGTAAGGCAGGAGAGCAGAGCGGAGGTTTCAGGGAGCTTCGTTTGCCCTCCACACTCA[C>T]AAGAGTCACGCGTTAGTTGCTACACAGCTTTATCTGTTCCACGCCTTGATTGGCACTCCT-3'